The following is an entry in ClinVar:

NM_004333.6(BRAF):c.1207C>G (p.Pro403Ala)

Gene: BRAF (B-Raf proto-oncogene, serine/threonine kinase; minus strand). Cytogenetic location: 7q34.
Variant type: single nucleotide variant.
Coding change: c.1207C>G on transcript NM_004333.6 (MANE Select); coding-DNA position 1207, C replaced by G.
Protein change: p.Pro403Ala; replaces proline 403 with alanine.
Molecular consequence: missense variant. On other transcripts: intron variant (2).
Genome position (GRCh38, 1-based): chr7:140,783,128, G>C on the plus strand (C>G on the coding strand, the complement: BRAF is on the minus strand). VCF-style: chr7-140783128-G-C. GRCh37 (hg19) VCF-style: chr7-140482928-G-C.
Other names: c.1207C>G, p.Pro403Ala (NM_001354609.2, NM_001378468.1, NM_001378474.1); c.1327C>G, p.Pro443Ala (NM_001374244.1, NM_001374258.1); c.1216C>G, p.Pro406Ala (NM_001378467.1); c.1105C>G, p.Pro369Ala (NM_001378470.1); c.1051C>G, p.Pro351Ala (NM_001378472.1, NM_001378473.1); c.943C>G, p.Pro315Ala (NM_001378475.1); c.1141-45C>G (NM_001378471.1); c.1178-37C>G (NM_001378469.1); short protein forms P403A, P315A, P351A, P369A, P406A, P443A.
Identifiers: ClinVar variation 500454 (VCV000500454.16), dbSNP rs749792302, ClinGen allele CA4516773.
Genomic context (GRCh38, chr7:140,783,128, plus strand): 5'-GAGGTCCTGGAGATTTCTGTAAGGCTTTCACGTTAGTTAGTGAGCCAGGTAATGAGGCAG[G>C]GGGGGTAGCAGACAAACCTGTGGTTGATCCTAAATTAGTGAAAAGAAAAATGTATACATT-3'
Protein context (NP_004324.2, residues 393-413): GSTTGLSATP[Pro403Ala]ASLPGSLTNV

ClinVar aggregate classification (germline): Conflicting classifications of pathogenicity. Review status: criteria provided, conflicting classifications (1 of 4 stars). 5 submissions from 5 submitters: Uncertain significance (4); Likely benign (1). Last evaluated 2025-07-08.

Conditions:
Cardiovascular phenotype. Identifiers: MedGen CN230736.
Colorectal cancer. Also called: Malignant Colorectal Neoplasm; Colorectal cancer, somatic. Identifiers: MedGen C0346629, MONDO:0005575, OMIM 114500.
Cardiofaciocutaneous syndrome 1 (CFC1). Also called: BRAF-Related Cardiofaciocutaneous Syndrome; MAP2K1-Related Cardiofaciocutaneous Syndrome; KRAS-Related Cardiofaciocutaneous Syndrome; MAP2K2-Related Cardiofaciocutaneous Syndrome. Identifiers: Orphanet 1340, MedGen CN029449, MONDO:0007265, OMIM 115150. Disease mechanism: gain of function.
Melanoma, cutaneous malignant, susceptibility to, 1 (CMM1). Also called: B-K MOLE SYNDROME; DYSPLASTIC NEVUS SYNDROME, HEREDITARY; FAMILIAL ATYPICAL MOLE-MALIGNANT MELANOMA SYNDROME; MELANOMA, MALIGNANT. Identifiers: Orphanet 618, MedGen C1835047, MONDO:0007963, OMIM 155600.
Lung cancer. Also called: Lung cancer, somatic; Malignant tumor of lung. Identifiers: MedGen C0242379, MONDO:0008903, OMIM 211980.
LEOPARD syndrome 3 (LPRD3). Identifiers: Orphanet 500, MedGen C3150971, MONDO:0013380, OMIM 613707.
Noonan syndrome 7 (NS7). Also called: BRAF-Related Noonan Syndrome. Identifiers: Orphanet 648, MedGen C3150970, MONDO:0013379, OMIM 613706.
RASopathy. Also called: Noonan spectrum disorder; rasopathies. Identifiers: Orphanet 536391, MedGen C5555857, MONDO:0021060.

Allele frequency attached by ClinVar (database versions not stated): ExAC 0.00001.
gnomAD v4.1: 14 of 1,614,018 alleles (0.00087%); highest among the groups gnomAD compares: Middle Eastern, 0.017%; no homozygotes.

Submissions (5):

Labcorp Genetics (formerly Invitae), Labcorp
Classification: Uncertain significance for RASopathy. Last evaluated: 2025-07-08. Review status: criteria provided, single submitter. Criteria: Invitae Variant Classification Sherloc (09022015). Collection method: clinical testing. Allele origin: germline.
Comment: This sequence change replaces proline, which is neutral and non-polar, with alanine, which is neutral and non-polar, at codon 403 of the BRAF protein (p.Pro403Ala). This variant is present in population databases (rs749792302, gnomAD 0.003%). This variant has not been reported in the literature in individuals affected with BRAF-related conditions. ClinVar contains an entry for this variant (Variation ID: 500454). Invitae Evidence Modeling incorporating data from in vitro experimental studies (internal data) indicates that this missense variant is not expected to disrupt BRAF function with a negative predictive value of 95%. In summary, the available evidence is currently insufficient to determine the role of this variant in disease. Therefore, it has been classified as a Variant of Uncertain Significance.

Ambry Genetics
Classification: Uncertain significance for Cardiovascular phenotype. Last evaluated: 2024-06-07. Review status: criteria provided, single submitter. Criteria: Ambry Variant Classification Scheme 2023. Collection method: clinical testing. Allele origin: germline.

Fulgent Genetics
Classification: Uncertain significance for Colorectal cancer; Cardiofaciocutaneous syndrome 1; Melanoma, cutaneous malignant, susceptibility to, 1; Lung cancer; Noonan syndrome 7; LEOPARD syndrome 3. Last evaluated: 2024-02-17. Review status: criteria provided, single submitter. Criteria: ACMG Guidelines, 2015. Collection method: clinical testing. Allele origin: germline.

GeneDx
Classification: Uncertain significance. Last evaluated: 2020-01-28. Review status: criteria provided, single submitter. Criteria: GeneDx Variant Classification Process June 2021. Collection method: clinical testing. Allele origin: germline. Affected: yes.
Comment: Has not been previously published as pathogenic or benign to our knowledge; Reported in ClinVar (ClinVar Variant ID# 500454; Landrum et al., 2016); In silico analysis, which includes protein predictors and evolutionary conservation, supports that this variant does not alter protein structure/function

Eurofins Ntd Llc (ga)
Classification: Likely benign. Last evaluated: 2017-02-21. Review status: criteria provided, single submitter. Criteria: EGL Classification Definitions 2015. Collection method: clinical testing. Allele origin: germline. Observed: 2 variant alleles, 2 heterozygotes.